The following is an entry in ClinVar:

NM_020777.3(SORCS2):c.2098G>A (p.Glu700Lys)

Gene: SORCS2 (sortilin related VPS10 domain containing receptor 2; plus strand). Cytogenetic location: 4p16.1.
Variant type: single nucleotide variant.
Coding change: c.2098G>A on transcript NM_020777.3 (MANE Select); coding-DNA position 2098, G replaced by A.
Protein change: p.Glu700Lys; replaces glutamic acid 700 with lysine.
Molecular consequence: missense variant.
Genome position (GRCh38, 1-based): chr4:7,714,348, G>A. VCF-style: chr4-7714348-G-A. GRCh37 (hg19) VCF-style: chr4-7716075-G-A.
Other names: short protein forms E700K.
Identifiers: ClinVar variation 2222204 (VCV002222204.26), dbSNP rs527663050, ClinGen allele CA2845729.

ClinVar aggregate classification (germline): Conflicting classifications of pathogenicity. Review status: criteria provided, conflicting classifications (1 of 4 stars). 2 submissions from 2 submitters: Uncertain significance (1); Likely benign (1). Last evaluated 2023-01-01.

Allele frequency attached by ClinVar (database versions not stated): gnomAD 0.00003; TOPMed 0.00005; ExAC 0.00008; 1000 Genomes Project 30x 0.00016; 1000 Genomes Project 0.00020.

Submissions (2):

CeGaT Center for Human Genetics Tuebingen
Classification: Likely benign. Last evaluated: 2023-01-01. Review status: criteria provided, single submitter. Criteria: CeGaT Center For Human Genetics Tuebingen Variant Classification Criteria Version 2. Collection method: clinical testing. Allele origin: germline. Affected: yes. Observed: 1 variant allele.
Comment: SORCS2: BP4

Ambry Genetics
Classification: Uncertain significance. Last evaluated: 2021-10-12. Review status: criteria provided, single submitter. Criteria: Ambry Variant Classification Scheme 2023. Collection method: clinical testing. Allele origin: germline.